The following is an entry in ClinVar:

ClinVar aggregate classification (germline): Uncertain significance (1 of 4 stars; one submission).

Allele frequency attached by ClinVar (database versions not stated): TOPMed below 0.00001; gnomAD exomes 0.00001 and 0.00002; ExAC 0.00003.
gnomAD v4.1: 19 of 1,612,188 alleles (0.0012%); highest among the groups gnomAD compares: South Asian, 0.0055%; no homozygotes.

Submission:

Labcorp Genetics (formerly Invitae), Labcorp
Classification: Uncertain significance. Last evaluated: 2024-09-16. Review status: criteria provided, single submitter. Criteria: Invitae Variant Classification Sherloc (09022015). Collection method: clinical testing. Allele origin: germline.
Comment: This sequence change affects codon 572 of the ARMC9 mRNA. It is a 'silent' change, meaning that it does not change the encoded amino acid sequence of the ARMC9 protein. It affects a nucleotide within the consensus splice site. The frequency data for this variant in the population databases is considered unreliable, as metrics indicate poor data quality at this position in the gnomAD database. This variant has not been reported in the literature in individuals affected with ARMC9-related conditions. ClinVar contains an entry for this variant (Variation ID: 1017593). Algorithms developed to predict the effect of sequence changes on RNA splicing suggest that this variant is not likely to affect RNA splicing. In summary, the available evidence is currently insufficient to determine the role of this variant in disease. Therefore, it has been classified as a Variant of Uncertain Significance.

NM_001352754.2(ARMC9):c.1716C>T (p.Ser572=)

Gene: ARMC9 (armadillo repeat containing 9; plus strand). Cytogenetic location: 2q37.1.
Variant type: single nucleotide variant.
Coding change: c.1716C>T on transcript NM_001352754.2 (MANE Select); coding-DNA position 1716, C replaced by T.
Protein change: p.Ser572=; no amino-acid change (serine 572 retained).
Molecular consequence: synonymous variant. On other transcripts: non-coding transcript variant (1).
Genome position (GRCh38, 1-based): chr2:231,291,442, C>T. VCF-style: chr2-231291442-C-T. GRCh37 (hg19) VCF-style: chr2-232156155-C-T.
Other names: c.1716C>T, p.Ser572= (NM_001271466.4, NM_001291656.2, NM_001352755.2 and 3 more transcripts); c.1617C>T, p.Ser539= (NM_001352757.2, NM_001352758.2).
Identifiers: ClinVar variation 1017593 (VCV001017593.6), dbSNP rs758177199, ClinGen allele CA2160439.
Genomic context (GRCh38, chr2:231,291,442, plus strand): 5'-CAAAGAAGGCAATGCTGAAATGATCCGCCAGATAGAATTCATCATCAAGCAGCTAAATTC[C>T]GGTCAGTTTGATGCAAGAATCTTTGATCTATCTTTTGAATTATTCACATTTGCCAGAAAG-3'
Protein context (NP_001339683.2, residues 562-582): QIEFIIKQLN[Ser572=]EELPDGVLES